The following is an entry in ClinVar:

ClinVar aggregate classification (germline): Uncertain significance. Review status: criteria provided, multiple submitters, no conflicts (2 of 4 stars). 4 submissions from 4 submitters: Uncertain significance (3). 1 of the submissions does not count toward it. Last evaluated 2025-05-19.

Conditions:
SQSTM1-related disorder. Also called: SQSTM1-Related Disorders.
Frontotemporal dementia and/or amyotrophic lateral sclerosis 1 (FTDALS1). Also called: Frontotemporal dementia with motor neuron disease 1; C9orf72 Frontotemporal Dementia and/or Amyotrophic Lateral Sclerosis. Identifiers: Orphanet 275872, MedGen C5779877, MONDO:0007105, OMIM 105550.
Paget disease of bone 2, early-onset (PDB2). Also called: Paget disease of bone 2. Identifiers: MedGen C4085251, MONDO:0011183, OMIM 602080.

Allele frequency attached by ClinVar (database versions not stated): ExAC 0.00003; TOPMed 0.00006.
gnomAD v4.1: 42 of 1,613,558 alleles (0.0026%); highest among the groups gnomAD compares: African/African-American, 0.024%; no homozygotes.

Submissions (4):

Labcorp Genetics (formerly Invitae), Labcorp
Classification: Uncertain significance for Paget disease of bone 2, early-onset; Frontotemporal dementia and/or amyotrophic lateral sclerosis 1. Last evaluated: 2025-05-19. Review status: criteria provided, single submitter. Criteria: Invitae Variant Classification Sherloc (09022015). Collection method: clinical testing. Allele origin: germline.
Comment: This sequence change replaces threonine, which is neutral and polar, with methionine, which is neutral and non-polar, at codon 221 of the SQSTM1 protein (p.Thr221Met). This variant is present in population databases (rs199663339, gnomAD 0.01%). This missense change has been observed in individual(s) with clinical features of SQSTM1-related conditions (PMID: 33601107). ClinVar contains an entry for this variant (Variation ID: 644501). Invitae Evidence Modeling of protein sequence and biophysical properties (such as structural, functional, and spatial information, amino acid conservation, physicochemical variation, residue mobility, and thermodynamic stability) indicates that this missense variant is not expected to disrupt SQSTM1 protein function with a negative predictive value of 80%. In summary, the available evidence is currently insufficient to determine the role of this variant in disease. Therefore, it has been classified as a Variant of Uncertain Significance.

Revvity Omics, Revvity
Classification: Uncertain significance. Last evaluated: 2024-08-13. Review status: criteria provided, single submitter. Criteria: ACMG Guidelines, 2015. Collection method: clinical testing. Allele origin: germline.

GeneDx
Classification: Uncertain significance. Last evaluated: 2021-04-07. Review status: criteria provided, single submitter. Criteria: GeneDx Variant Classification Process June 2021. Collection method: clinical testing. Allele origin: germline. Affected: yes.
Comment: In silico analysis supports that this missense variant does not alter protein structure/function; Previously reported as a variant of uncertain significance in an individual with Parkinsonism (Picillo et al., 2021); This variant is associated with the following publications: (PMID: 33601107, 25796131)

PreventionGenetics, part of Exact Sciences
Classification: Uncertain significance for SQSTM1-related condition. Last evaluated: 2024-04-11. Review status: no assertion criteria provided. Collection method: clinical testing. Allele origin: germline. Not counted in ClinVar's aggregate classification.
Comment: The SQSTM1 c.662C>T variant is predicted to result in the amino acid substitution p.Thr221Met. This variant was reported in an individual with parkinsonism and cognitive-behavioral syndrome (Picillo et al. 2021. PubMed ID: 33601107). This variant is reported in 0.012% of alleles in individuals of African descent in gnomAD. At this time, the clinical significance of this variant is uncertain due to the absence of conclusive functional and genetic evidence.

Literature cited by the submitters: PubMed 33601107 (cited by Labcorp Genetics (formerly Invitae), Labcorp).

NM_003900.5(SQSTM1):c.662C>T (p.Thr221Met)

Gene: SQSTM1 (sequestosome 1; plus strand). Cytogenetic location: 5q35.3.
Variant type: single nucleotide variant.
Coding change: c.662C>T on transcript NM_003900.5 (MANE Select); coding-DNA position 662, C replaced by T.
Protein change: p.Thr221Met; replaces threonine 221 with methionine.
Molecular consequence: missense variant.
Genome position (GRCh38, 1-based): chr5:179,824,312, C>T. VCF-style: chr5-179824312-C-T. GRCh37 (hg19) VCF-style: chr5-179251312-C-T.
Other names: c.410C>T, p.Thr137Met (NM_001142298.2, NM_001142299.2); short protein forms T137M, T221M.
Identifiers: ClinVar variation 644501 (VCV000644501.10), dbSNP rs199663339, ClinGen allele CA3600590.
Genomic context (GRCh38, chr5:179,824,312, plus strand): 5'-GTCCACCAGGAAACTGGAGCCCACGTCCTCCTCGTGCAGGGGAGGCCCGCCCTGGCCCCA[C>T]GGCAGAATCAGGTGAGGCTTGTGTTGGAACCTGCTTCTGATTGGTGACAGTAGTCAGGCA-3'
Protein context (NP_003891.1, residues 211-231): PRAGEARPGP[Thr221Met]AESASGPSED